The following is an entry in ClinVar:

NM_001144967.3(NEDD4L):c.386A>G (p.Lys129Arg)

Gene: NEDD4L (NEDD4 like E3 ubiquitin protein ligase; plus strand). Cytogenetic location: 18q21.31.
Variant type: single nucleotide variant.
Coding change: c.386A>G on transcript NM_001144967.3 (MANE Select); coding-DNA position 386, A replaced by G.
Protein change: p.Lys129Arg; replaces lysine 129 with arginine.
Molecular consequence: missense variant.
Genome position (GRCh38, 1-based): chr18:58,322,462, A>G. VCF-style: chr18-58322462-A-G. GRCh37 (hg19) VCF-style: chr18-55989694-A-G.
Other names: c.386A>G (NM_015277.5); c.23A>G, p.Lys8Arg (NM_001144964.1, NM_001144965.2, NM_001144966.3 and 2 more transcripts); c.362A>G, p.Lys121Arg (NM_001144968.2, NM_001144969.2); c.386A>G, p.Lys129Arg (NM_001243960.2, NM_015277.6); short protein forms K121R, K129R, K8R.
Identifiers: ClinVar variation 2050214 (VCV002050214.5), dbSNP rs924232010, ClinGen allele CA300906786.

ClinVar aggregate classification (germline): Uncertain significance. Review status: criteria provided, multiple submitters, no conflicts (2 of 4 stars). 2 submissions from 2 submitters: Uncertain significance (2). Last evaluated 2025-06-12.

Conditions:
Inborn genetic diseases. Identifiers: MedGen C0950123, MeSH D030342.

Allele frequency attached by ClinVar (database versions not stated): gnomAD exomes below 0.00001; gnomAD 0.00001.
gnomAD v4.1: 7 of 1,491,570 alleles (0.00047%); highest among the groups gnomAD compares: Non-Finnish European, 0.00064%; no homozygotes.

Submissions (2):

Labcorp Genetics (formerly Invitae), Labcorp
Classification: Uncertain significance. Last evaluated: 2025-06-12. Review status: criteria provided, single submitter. Criteria: Invitae Variant Classification Sherloc (09022015). Collection method: clinical testing. Allele origin: germline.
Comment: This sequence change replaces lysine, which is basic and polar, with arginine, which is basic and polar, at codon 129 of the NEDD4L protein (p.Lys129Arg). This variant is present in population databases (no rsID available, gnomAD 0.0009%). This variant has not been reported in the literature in individuals affected with NEDD4L-related conditions. ClinVar contains an entry for this variant (Variation ID: 2050214). Invitae Evidence Modeling of protein sequence and biophysical properties (such as structural, functional, and spatial information, amino acid conservation, physicochemical variation, residue mobility, and thermodynamic stability) indicates that this missense variant is not expected to disrupt NEDD4L protein function with a negative predictive value of 80%. In summary, the available evidence is currently insufficient to determine the role of this variant in disease. Therefore, it has been classified as a Variant of Uncertain Significance.

Ambry Genetics
Classification: Uncertain significance for Inborn genetic diseases. Last evaluated: 2024-12-12. Review status: criteria provided, single submitter. Criteria: Ambry Variant Classification Scheme 2023. Collection method: clinical testing. Allele origin: germline.